The following is an entry in ClinVar:

NM_005633.4(SOS1):c.3095G>A (p.Ser1032Asn)

Gene: SOS1 (SOS Ras/Rac guanine nucleotide exchange factor 1; minus strand). Cytogenetic location: 2p22.1.
Variant type: single nucleotide variant.
Coding change: c.3095G>A on transcript NM_005633.4 (MANE Select); coding-DNA position 3095, G replaced by A.
Protein change: p.Ser1032Asn; replaces serine 1032 with asparagine.
Molecular consequence: missense variant.
Genome position (GRCh38, 1-based): chr2:38,995,374, C>T on the plus strand (G>A on the coding strand, the complement: SOS1 is on the minus strand). VCF-style: chr2-38995374-C-T. GRCh37 (hg19) VCF-style: chr2-39222515-C-T.
Other names: c.3074G>A, p.Ser1025Asn (NM_001382394.1); c.3095G>A, p.Ser1032Asn (NM_001382395.1); short protein forms S1025N, S1032N.
Identifiers: ClinVar variation 3447313 (VCV003447313.1).

ClinVar aggregate classification (germline): Uncertain significance (1 of 4 stars; one submission).

Conditions:
Cardiovascular phenotype. Identifiers: MedGen CN230736.

Submission:

Ambry Genetics
Classification: Uncertain significance for Cardiovascular phenotype. Last evaluated: 2024-10-21. Review status: criteria provided, single submitter. Criteria: Ambry Variant Classification Scheme 2023. Collection method: clinical testing. Allele origin: germline.
Comment: The p.S1032N variant (also known as c.3095G>A), located in coding exon 20 of the SOS1 gene, results from a G to A substitution at nucleotide position 3095. The serine at codon 1032 is replaced by asparagine, an amino acid with highly similar properties. This amino acid position is conserved. In addition, this alteration is predicted to be tolerated by in silico analysis. Based on the available evidence, the clinical significance of this variant remains unclear.